The following is an entry in ClinVar:

NM_001365088.1(SLC12A6):c.157G>C (p.Glu53Gln)

Gene: SLC12A6 (solute carrier family 12 member 6; minus strand). Cytogenetic location: 15q14.
Variant type: single nucleotide variant.
Coding change: c.157G>C on transcript NM_001365088.1 (MANE Select); coding-DNA position 157, G replaced by C.
Protein change: p.Glu53Gln; replaces glutamic acid 53 with glutamine.
Molecular consequence: missense variant. On other transcripts: 5 prime UTR variant (2).
Genome position (GRCh38, 1-based): chr15:34,336,524, C>G on the plus strand (G>C on the coding strand, the complement: SLC12A6 is on the minus strand). VCF-style: chr15-34336524-C-G. GRCh37 (hg19) VCF-style: chr15-34628725-C-G.
Other names: c.-21G>C (NM_001042494.2, NM_001042495.2); c.130G>C, p.Glu44Gln (NM_001042496.2); c.157G>C, p.Glu53Gln (NM_001042497.2, NM_133647.2); short protein forms E44Q, E53Q.
Identifiers: ClinVar variation 1307999 (VCV001307999.2), dbSNP rs2141212637, ClinGen allele CA391621581.

ClinVar aggregate classification (germline): Uncertain significance (1 of 4 stars; one submission).

Submission:

GeneDx
Classification: Uncertain significance. Last evaluated: 2019-08-15. Review status: criteria provided, single submitter. Criteria: GeneDx Variant Classification Process June 2021. Collection method: clinical testing. Allele origin: germline. Affected: yes.
Comment: Not observed in large population cohorts (Lek et al., 2016); In silico analysis, which includes protein predictors and evolutionary conservation, supports that this variant does not alter protein structure/function; Has not been previously published as pathogenic or benign to our knowledge; This variant is associated with the following publications: (PMID: 20729146)